The following is an entry in ClinVar:

NM_001377142.1(PLCB4):c.765G>T (p.Leu255Phe)

Gene: PLCB4 (phospholipase C beta 4; plus strand). Cytogenetic location: 20p12.2.
Variant type: single nucleotide variant.
Coding change: c.765G>T on transcript NM_001377142.1 (MANE Select); coding-DNA position 765, G replaced by T.
Protein change: p.Leu255Phe; replaces leucine 255 with phenylalanine.
Molecular consequence: missense variant.
Genome position (GRCh38, 1-based): chr20:9,380,074, G>T. VCF-style: chr20-9380074-G-T. GRCh37 (hg19) VCF-style: chr20-9360721-G-T.
Other names: c.765G>T, p.Leu255Phe (NM_000933.4, NM_001172646.2, NM_001377134.2 and 4 more transcripts); short protein forms L255F.
Identifiers: ClinVar variation 3376090 (VCV003376090.1).

ClinVar aggregate classification (germline): Uncertain significance (1 of 4 stars; one submission).

Submission:

GeneDx
Classification: Uncertain significance. Last evaluated: 2024-05-09. Review status: criteria provided, single submitter. Criteria: GeneDx Variant Classification Process June 2021. Collection method: clinical testing. Allele origin: germline. Affected: yes.
Comment: Not observed at significant frequency in large population cohorts (gnomAD); In silico analysis supports that this missense variant has a deleterious effect on protein structure/function; Has not been previously published as pathogenic or benign to our knowledge; In silico analysis is inconclusive as to whether the variant alters gene splicing. In the absence of RNA/functional studies, the actual effect of this sequence change is unknown.